The following is an entry in ClinVar:

NM_001098.3(ACO2):c.1334C>G (p.Ala445Gly)

Gene: ACO2 (aconitase 2; plus strand). Cytogenetic location: 22q13.2.
Variant type: single nucleotide variant.
Coding change: c.1334C>G on transcript NM_001098.3 (MANE Select); coding-DNA position 1334, C replaced by G.
Protein change: p.Ala445Gly; replaces alanine 445 with glycine.
Molecular consequence: missense variant.
Genome position (GRCh38, 1-based): chr22:41,523,242, C>G. VCF-style: chr22-41523242-C-G. GRCh37 (hg19) VCF-style: chr22-41919246-C-G.
Other names: short protein forms A445G.
Identifiers: ClinVar variation 4764503 (VCV004764503.1).
Genomic context (GRCh38, chr22:41,523,242, plus strand): 5'-CTGTCTTCCTCTCTCCCTGGCAGGCACAGATCTTGAGGGATCTGGGTGGCATTGTCCTGG[C>G]CAATGCTTGTGGCCCCTGCATTGGCCAGTGGGACAGGTAAGAGGCGTATCTTTTGACAAG-3'
Protein context (NP_001089.1, residues 435-455): ILRDLGGIVL[Ala445Gly]NACGPCIGQW

ClinVar aggregate classification (germline): Uncertain significance (1 of 4 stars; one submission).

Submission:

Labcorp Genetics (formerly Invitae), Labcorp
Classification: Uncertain significance. Last evaluated: 2026-01-17. Review status: criteria provided, single submitter. Criteria: Invitae Variant Classification Sherloc (09022015). Collection method: clinical testing. Allele origin: germline.
Comment: This sequence change replaces alanine, which is neutral and non-polar, with glycine, which is neutral and non-polar, at codon 445 of the ACO2 protein (p.Ala445Gly). This variant is not present in population databases (gnomAD no frequency). This variant has not been reported in the literature in individuals affected with ACO2-related conditions. Invitae Evidence Modeling of protein sequence and biophysical properties (such as structural, functional, and spatial information, amino acid conservation, physicochemical variation, residue mobility, and thermodynamic stability) indicates that this missense variant is expected to disrupt ACO2 protein function with a positive predictive value of 80%. In summary, the available evidence is currently insufficient to determine the role of this variant in disease. Therefore, it has been classified as a Variant of Uncertain Significance.